The following is an entry in ClinVar:

GRCh38/hg38 7q22.1-22.3(chr7:101525795-105432462)x3

Genes: ALKBH4 (alkB homolog 4, lysine demethylase; minus strand), ARMC10 (armadillo repeat containing 10), COL26A1 (collagen type XXVI alpha 1 chain; plus strand), CUX1 (cut like homeobox 1; plus strand), DNAJC2 (DnaJ heat shock protein family (Hsp40) member C2; minus strand) and 146 more. Cytogenetic location: 7q22.1-22.3.
Variant type: copy number gain.
Change: copy number 3 (three copies instead of two) of chr7:101,525,795-105,432,462 (3.91 Mb, GRCh38 coordinates, 1-based), cytogenetic band 7q22.1-22.3.
Identifiers: ClinVar variation 57092 (VCV000057092.1).

ClinVar aggregate classification (germline): Pathogenic (1 of 4 stars; one submission).

Submission:

ISCA site 4
Classification: Pathogenic. Last evaluated: 2011-08-12. Review status: criteria provided, single submitter. Criteria: Kaminsky et al. (Genet Med. 2011). Collection method: clinical testing. Allele origin: unknown. Affected: yes. Observed: 1 variant allele.
Comment: Copy number variation identified through the course of routine clinical cytogenomic testing in postnatal populations. Clinical assertions have been curated as described in Kaminsky et al. 2011.